The following is an entry in ClinVar:

ClinVar aggregate classification (germline): Uncertain significance. Review status: criteria provided, multiple submitters, no conflicts (2 of 4 stars). 4 submissions from 4 submitters: Uncertain significance (3). 1 of the submissions does not count toward it. Last evaluated 2024-09-04.

Conditions:
Bardet-Biedl syndrome 9 (BBS9). Identifiers: Orphanet 110, MedGen C1859567, MONDO:0014437, OMIM 615986.
BBS9-related disorder. Also called: BBS9-related condition.
Inborn genetic diseases. Identifiers: MedGen C0950123, MeSH D030342.
Bardet-Biedl syndrome (BBS). Identifiers: Orphanet 110, MedGen C0752166, MONDO:0015229.

Allele frequency attached by ClinVar (database versions not stated): gnomAD exomes 0.00001 and 0.00006; ExAC 0.00002; gnomAD 0.00002 and 0.00003; TOPMed 0.00005.
gnomAD v4.1: 88 of 1,614,048 alleles (0.0055%); highest among the groups gnomAD compares: Non-Finnish European, 0.0071%; no homozygotes.

Submissions (4):

Ambry Genetics
Classification: Uncertain significance for Inborn genetic diseases. Last evaluated: 2024-09-04. Review status: criteria provided, single submitter. Criteria: Ambry Variant Classification Scheme 2023. Collection method: clinical testing. Allele origin: germline.

Labcorp Genetics (formerly Invitae), Labcorp
Classification: Uncertain significance for Bardet-Biedl syndrome. Last evaluated: 2022-06-13. Review status: criteria provided, single submitter. Criteria: Invitae Variant Classification Sherloc (09022015). Collection method: clinical testing. Allele origin: germline.
Comment: This sequence change replaces threonine, which is neutral and polar, with isoleucine, which is neutral and non-polar, at codon 725 of the BBS9 protein (p.Thr725Ile). This variant is present in population databases (rs749948775, gnomAD 0.007%). This variant has not been reported in the literature in individuals affected with BBS9-related conditions. ClinVar contains an entry for this variant (Variation ID: 1015510). Algorithms developed to predict the effect of missense changes on protein structure and function output the following: SIFT: "Deleterious"; PolyPhen-2: "Benign"; Align-GVGD: "Class C0". The isoleucine amino acid residue is found in multiple mammalian species, which suggests that this missense change does not adversely affect protein function. In summary, the available evidence is currently insufficient to determine the role of this variant in disease. Therefore, it has been classified as a Variant of Uncertain Significance.

Fulgent Genetics
Classification: Uncertain significance for Bardet-Biedl syndrome 9. Last evaluated: 2021-12-30. Review status: criteria provided, single submitter. Criteria: ACMG Guidelines, 2015. Collection method: clinical testing. Allele origin: unknown.

PreventionGenetics, part of Exact Sciences
Classification: Uncertain significance for BBS9-related condition. Last evaluated: 2024-04-23. Review status: no assertion criteria provided. Collection method: clinical testing. Allele origin: germline. Not counted in ClinVar's aggregate classification.
Comment: The BBS9 c.2174C>T variant is predicted to result in the amino acid substitution p.Thr725Ile. To our knowledge, this variant has not been reported in the literature. This variant is reported in 0.0062% of alleles in individuals of African descent in gnomAD. At this time, the clinical significance of this variant is uncertain due to the absence of conclusive functional and genetic evidence.

NM_198428.3(BBS9):c.2174C>T (p.Thr725Ile)

Gene: BBS9 (Bardet-Biedl syndrome 9; plus strand). Cytogenetic location: 7p14.3.
Variant type: single nucleotide variant.
Coding change: c.2174C>T on transcript NM_198428.3 (MANE Select); coding-DNA position 2174, C replaced by T.
Protein change: p.Thr725Ile; replaces threonine 725 with isoleucine.
Molecular consequence: missense variant. On other transcripts: non-coding transcript variant (3), intron variant (1).
Genome position (GRCh38, 1-based): chr7:33,505,521, C>T. VCF-style: chr7-33505521-C-T. GRCh37 (hg19) VCF-style: chr7-33545133-C-T.
Other names: c.2174C>T, p.Thr725Ile (NM_001348041.4, NM_001348043.3, NM_001348036.1 and 1 more transcripts); c.2039C>T, p.Thr680Ile (NM_001348042.3); c.1703C>T, p.Thr568Ile (NM_001348044.3); c.1808C>T, p.Thr603Ile (NM_001348045.3, NM_001348046.3); c.1901C>T, p.Thr634Ile (NM_001348038.3); c.2069C>T, p.Thr690Ile (NM_001033604.2); c.2159C>T, p.Thr720Ile (NM_001033605.2); c.1796C>T, p.Thr599Ile (NM_001348039.3); and 3 more; short protein forms T568I, T599I, T603I, T634I, T680I, T685I, T690I, T720I.
Identifiers: ClinVar variation 1015510 (VCV001015510.7), dbSNP rs749948775, ClinGen allele CA4214619.
Genomic context (GRCh38, chr7:33,505,521, plus strand): 5'-AGGTAATTGCTCTAGCAGATGCAGTGGAGGAAAACCAAGGCAATCTGTTCCAGTCATTCA[C>T]CAGGCTGAAGAGTGCCACCCATTTGGTGATTCTGCTGATCGCGCTGTGGCAGAAGCTTAG-3'
Protein context (NP_940820.1, residues 715-735): ENQGNLFQSF[Thr725Ile]RLKSATHLVI